The following is an entry in ClinVar:

NM_198994.3(TGM6):c.1967+1G>A

Gene: TGM6 (transglutaminase 6; plus strand). Cytogenetic location: 20p13.
Variant type: single nucleotide variant.
Coding change: c.1967+1G>A on transcript NM_198994.3 (MANE Select); the canonical splice donor site of the intron after coding-DNA position 1967, G replaced by A.
Molecular consequence: splice donor variant. On other transcripts: intron variant (1).
Genome position (GRCh38, 1-based): chr20:2,431,028, G>A. VCF-style: chr20-2431028-G-A. GRCh37 (hg19) VCF-style: chr20-2411674-G-A.
Other names: c.1833+428G>A (NM_001254734.2).
Identifiers: ClinVar variation 1256392 (VCV001256392.3), dbSNP rs747702159, ClinGen allele CA9732242.

ClinVar aggregate classification (germline): Uncertain significance. Review status: criteria provided, multiple submitters, no conflicts (2 of 4 stars). 2 submissions from 2 submitters: Uncertain significance (2). Last evaluated 2025-10-22.

Allele frequency attached by ClinVar (database versions not stated): ExAC 0.00002; gnomAD exomes 0.00004 and 0.00002; gnomAD 0.00001.
gnomAD v4.1: 65 of 1,613,874 alleles (0.004%); highest among the groups gnomAD compares: Non-Finnish European, 0.0053%; no homozygotes.

Submissions (2):

Labcorp Genetics (formerly Invitae), Labcorp
Classification: Uncertain significance. Last evaluated: 2025-10-22. Review status: criteria provided, single submitter. Criteria: Invitae Variant Classification Sherloc (09022015). Collection method: clinical testing. Allele origin: germline.
Comment: This sequence change falls in intron 12 of the TGM6 gene. It does not directly change the encoded amino acid sequence of the TGM6 protein. It affects a nucleotide within the consensus splice site. This variant is present in population databases (rs747702159, gnomAD 0.005%). This variant has not been reported in the literature in individuals affected with TGM6-related conditions. ClinVar contains an entry for this variant (Variation ID: 1256392). Variants that disrupt the consensus splice site are a relatively common cause of aberrant splicing (PMID: 17576681, 9536098). Algorithms developed to predict the effect of sequence changes on RNA splicing suggest that this variant may disrupt the consensus splice site. In summary, the available evidence is currently insufficient to determine the role of this variant in disease. Therefore, it has been classified as a Variant of Uncertain Significance.

Athena Diagnostics
Classification: Uncertain significance. Last evaluated: 2021-01-25. Review status: criteria provided, single submitter. Criteria: Athena Diagnostics criteria. Collection method: clinical testing. Allele origin: unknown.

Literature cited by the submitters: PubMed 17576681 (cited by Labcorp Genetics (formerly Invitae), Labcorp); PubMed 9536098 (cited by Labcorp Genetics (formerly Invitae), Labcorp).